The following is an entry in ClinVar:

ClinVar aggregate classification (germline): Uncertain significance (1 of 4 stars; one submission).

gnomAD v4.1: 48 of 1,613,864 alleles (0.003%); highest among the groups gnomAD compares: Non-Finnish European, 0.0036%; no homozygotes.

Submission:

Labcorp Genetics (formerly Invitae), Labcorp
Classification: Uncertain significance. Last evaluated: 2022-07-06. Review status: criteria provided, single submitter. Criteria: Invitae Variant Classification Sherloc (09022015). Collection method: clinical testing. Allele origin: germline.
Comment: This sequence change replaces aspartic acid, which is acidic and polar, with glutamic acid, which is acidic and polar, at codon 463 of the TSEN2 protein (p.Asp463Glu). In summary, the available evidence is currently insufficient to determine the role of this variant in disease. Therefore, it has been classified as a Variant of Uncertain Significance. Algorithms developed to predict the effect of missense changes on protein structure and function output the following: SIFT: "Tolerated"; PolyPhen-2: "Benign"; Align-GVGD: "Class C0". The glutamic acid amino acid residue is found in multiple mammalian species, which suggests that this missense change does not adversely affect protein function. This variant has not been reported in the literature in individuals affected with TSEN2-related conditions. This variant is present in population databases (no rsID available, gnomAD 0.003%).

NM_025265.4(TSEN2):c.1389C>A (p.Asp463Glu)

Gene: TSEN2 (tRNA splicing endonuclease subunit 2; plus strand). Cytogenetic location: 3p25.2.
Variant type: single nucleotide variant.
Coding change: c.1389C>A on transcript NM_025265.4 (MANE Select); coding-DNA position 1389, C replaced by A.
Protein change: p.Asp463Glu; replaces aspartic acid 463 with glutamic acid.
Molecular consequence: missense variant. On other transcripts: non-coding transcript variant (1), intron variant (1).
Genome position (GRCh38, 1-based): chr3:12,532,712, C>A. VCF-style: chr3-12532712-C-A. GRCh37 (hg19) VCF-style: chr3-12574211-C-A.
Other names: c.1389C>A, p.Asp463Glu (NM_001145392.2, NM_001321277.2); c.1311C>A, p.Asp437Glu (NM_001145393.3, NM_001321279.2); c.1212C>A, p.Asp404Glu (NM_001145394.2); c.1338+1053C>A (NM_001321278.2); short protein forms D437E, D404E, D463E.
Identifiers: ClinVar variation 1901208 (VCV001901208.5), dbSNP rs75288720, ClinGen allele CA351478585.